The following is an entry in ClinVar:

ClinVar aggregate classification (germline): Benign. Review status: criteria provided, multiple submitters, no conflicts (2 of 4 stars). 3 submissions from 3 submitters: Benign (3). Last evaluated 2021-07-14.

Conditions:
Periventricular heterotopia with microcephaly, autosomal recessive (ARPHM). Also called: Periventricular heterotopia with microcephaly; PERIVENTRICULAR NODULAR HETEROTOPIA 2. Identifiers: Orphanet 2149, MedGen C1842563, MONDO:0011966, OMIM 608097.

Allele frequency attached by ClinVar (database versions not stated): gnomAD exomes 0.29009; gnomAD 0.31864 and 0.32185; TOPMed 0.33691; 1000 Genomes Project 0.37300; 1000 Genomes Project 30x 0.37461.
gnomAD v4.1: 472,110 of 1,607,828 alleles (29%); highest among the groups gnomAD compares: East Asian, 45%; 72,066 homozygotes.

Submissions (3):

Genome-Nilou Lab
Classification: Benign for Periventricular heterotopia with microcephaly, autosomal recessive. Last evaluated: 2021-07-14. Review status: criteria provided, single submitter. Criteria: ACMG Guidelines, 2015. Collection method: clinical testing. Allele origin: germline. Affected: no.

GeneDx
Classification: Benign. Last evaluated: 2018-06-14. Review status: criteria provided, single submitter. Criteria: GeneDx Variant Classification (06012015). Collection method: clinical testing. Allele origin: germline. Affected: yes.
Comment: This variant is considered likely benign or benign based on one or more of the following criteria: it is a conservative change, it occurs at a poorly conserved position in the protein, it is predicted to be benign by multiple in silico algorithms, and/or has population frequency not consistent with disease.

Breakthrough Genomics
Classification: Benign. Review status: criteria provided, single submitter. Criteria: ACMG Guidelines, 2015. Collection method: not provided. Allele origin: germline. Inheritance: Autosomal recessive inheritance. Affected: yes.

NM_006420.3(ARFGEF2):c.3433-53G>A

Gene: ARFGEF2 (ARF guanine nucleotide exchange factor 2; plus strand). Cytogenetic location: 20q13.13.
Variant type: single nucleotide variant.
Coding change: c.3433-53G>A on transcript NM_006420.3 (MANE Select); 53 bases into the intron before coding-DNA position 3433, G replaced by A.
Molecular consequence: intron variant.
Genome position (GRCh38, 1-based): chr20:49,005,017, G>A. VCF-style: chr20-49005017-G-A. GRCh37 (hg19) VCF-style: chr20-47621554-G-A.
Identifiers: ClinVar variation 674155 (VCV000674155.5), dbSNP rs4810910, ClinGen allele CA14759520.
Genomic context (GRCh38, chr20:49,005,017, plus strand): 5'-GTTTTCCCTGAATGTTTGTTTTGAAGGTAGGCTGTCCATCTTTGCTGTTGAGAGACCCAC[G>A]TCGGTCATTATTACACTATACCTGTTTCACATCAGTTCCTGTTCTTGTTCAGGTTGGCTG-3'